The following is an entry in ClinVar:

NM_005633.4(SOS1):c.3984G>A (p.Glu1328=)

Gene: SOS1 (SOS Ras/Rac guanine nucleotide exchange factor 1; minus strand). Cytogenetic location: 2p22.1.
Variant type: single nucleotide variant.
Coding change: c.3984G>A on transcript NM_005633.4 (MANE Select); coding-DNA position 3984, G replaced by A.
Protein change: p.Glu1328=; no amino-acid change (glutamic acid 1328 retained).
Molecular consequence: synonymous variant.
Genome position (GRCh38, 1-based): chr2:38,985,842, C>T on the plus strand (G>A on the coding strand, the complement: SOS1 is on the minus strand). VCF-style: chr2-38985842-C-T. GRCh37 (hg19) VCF-style: chr2-39212983-C-T.
Other names: c.3963G>A, p.Glu1321= (NM_001382394.1); c.3939G>A, p.Glu1313= (NM_001382395.1).
Identifiers: ClinVar variation 3367520 (VCV003367520.1).

ClinVar aggregate classification (germline): Uncertain significance (1 of 4 stars; one submission).

gnomAD v4.1: 2 of 1,613,630 alleles (0.00012%); highest among the groups gnomAD compares: Non-Finnish European, 0.00017%; no homozygotes.

Submission:

GeneDx
Classification: Uncertain significance. Last evaluated: 2024-01-03. Review status: criteria provided, single submitter. Criteria: GeneDx Variant Classification Process June 2021. Collection method: clinical testing. Allele origin: germline. Affected: yes.
Comment: Not observed at significant frequency in large population cohorts (gnomAD); In silico analysis supports that this variant does not alter splicing; Has not been previously published as pathogenic or benign to our knowledge